The following is an entry in ClinVar:

ClinVar aggregate classification (germline): Uncertain significance. Review status: criteria provided, multiple submitters, no conflicts (2 of 4 stars). 2 submissions from 2 submitters: Uncertain significance (2). Last evaluated 2025-09-13.

Conditions:
RASopathy. Also called: Noonan spectrum disorder; rasopathies. Identifiers: Orphanet 536391, MedGen C5555857, MONDO:0021060.
Cardiovascular phenotype. Identifiers: MedGen CN230736.

Submissions (2):

Labcorp Genetics (formerly Invitae), Labcorp
Classification: Uncertain significance for RASopathy. Last evaluated: 2025-09-13. Review status: criteria provided, single submitter. Criteria: Invitae Variant Classification Sherloc (09022015). Collection method: clinical testing. Allele origin: germline.
Comment: This sequence change replaces asparagine, which is neutral and polar, with histidine, which is basic and polar, at codon 410 of the PTPN11 protein (p.Asn410His). This variant is not present in population databases (gnomAD no frequency). This variant has not been reported in the literature in individuals affected with PTPN11-related conditions. ClinVar contains an entry for this variant (Variation ID: 3427715). Invitae Evidence Modeling of protein sequence and biophysical properties (such as structural, functional, and spatial information, amino acid conservation, physicochemical variation, residue mobility, and thermodynamic stability) indicates that this missense variant is not expected to disrupt PTPN11 protein function with a negative predictive value of 80%. In summary, the available evidence is currently insufficient to determine the role of this variant in disease. Therefore, it has been classified as a Variant of Uncertain Significance.

Ambry Genetics
Classification: Uncertain significance for Cardiovascular phenotype. Last evaluated: 2024-07-29. Review status: criteria provided, single submitter. Criteria: Ambry Variant Classification Scheme 2023. Collection method: clinical testing. Allele origin: germline.
Comment: The p.N410H variant (also known as c.1228A>C), located in coding exon 11 of the PTPN11 gene, results from an A to C substitution at nucleotide position 1228. The asparagine at codon 410 is replaced by histidine, an amino acid with similar properties. This amino acid position is conserved. In addition, this alteration is predicted to be tolerated by in silico analysis. Based on the available evidence, the clinical significance of this variant remains unclear.

NM_002834.5(PTPN11):c.1228A>C (p.Asn410His)

Gene: PTPN11 (protein tyrosine phosphatase non-receptor type 11; plus strand). Cytogenetic location: 12q24.13.
Variant type: single nucleotide variant.
Coding change: c.1228A>C on transcript NM_002834.5 (MANE Select); coding-DNA position 1228, A replaced by C.
Protein change: p.Asn410His; replaces asparagine 410 with histidine.
Molecular consequence: missense variant.
Genome position (GRCh38, 1-based): chr12:112,486,478, A>C. VCF-style: chr12-112486478-A-C. GRCh37 (hg19) VCF-style: chr12-112924282-A-C.
Other names: c.1240A>C, p.Asn414His (NM_001330437.2); c.1225A>C, p.Asn409His (NM_001374625.1); c.1228A>C, p.Asn410His (NM_080601.3); short protein forms N410H, N409H, N414H.
Identifiers: ClinVar variation 3427715 (VCV003427715.2).